The following is an entry in ClinVar:

ClinVar aggregate classification (germline): Uncertain significance (1 of 4 stars; one submission).

Conditions:
Cardiovascular phenotype. Identifiers: MedGen CN230736.
Hereditary cancer-predisposing syndrome. Also called: Neoplastic Syndromes, Hereditary; Hereditary Cancer Syndrome; Tumor predisposition; Hereditary neoplastic syndrome. Identifiers: Orphanet 140162, MedGen C0027672, MeSH D009386, MONDO:0015356.

Submission:

Ambry Genetics
Classification: Uncertain significance for Cardiovascular phenotype; Hereditary cancer-predisposing syndrome. Last evaluated: 2022-12-25. Review status: criteria provided, single submitter. Criteria: Ambry Variant Classification Scheme 2023. Collection method: clinical testing. Allele origin: germline.
Comment: The p.Y401D variant (also known as c.1201T>G), located in coding exon 11 of the LZTR1 gene, results from a T to G substitution at nucleotide position 1201. The tyrosine at codon 401 is replaced by aspartic acid, an amino acid with highly dissimilar properties. This amino acid position is conserved. In addition, this alteration is predicted to be deleterious by in silico analysis. Since supporting evidence is limited at this time, the clinical significance of this alteration remains unclear.

NM_006767.4(LZTR1):c.1201T>G (p.Tyr401Asp)

Gene: LZTR1 (leucine zipper like post translational regulator 1; plus strand). Cytogenetic location: 22q11.21.
Variant type: single nucleotide variant.
Coding change: c.1201T>G on transcript NM_006767.4 (MANE Select); coding-DNA position 1201, T replaced by G.
Protein change: p.Tyr401Asp; replaces tyrosine 401 with aspartic acid.
Molecular consequence: missense variant.
Genome position (GRCh38, 1-based): chr22:20,992,845, T>G. VCF-style: chr22-20992845-T-G. GRCh37 (hg19) VCF-style: chr22-21347134-T-G.
Other names: short protein forms Y401D.
Identifiers: ClinVar variation 2447722 (VCV002447722.2), dbSNP rs2518618823, ClinGen allele CA410773865.